The following is an entry in ClinVar:

ClinVar aggregate classification (germline): Likely pathogenic. Review status: criteria provided, multiple submitters, no conflicts (2 of 4 stars). 8 submissions from 3 submitters: Likely pathogenic (8). Last evaluated 2025-10-23.

Conditions:
Dilated cardiomyopathy 1G (CMD1G). Identifiers: Orphanet 154, MedGen C1858763, MONDO:0011400, OMIM 604145.
Autosomal recessive limb-girdle muscular dystrophy type 2J (LGMDR10). Also called: Limb-girdle muscular dystrophy, type 2J; MUSCULAR DYSTROPHY, LIMB-GIRDLE, AUTOSOMAL RECESSIVE 10. Identifiers: Orphanet 140922, MedGen C1837342, MONDO:0012127, OMIM 608807.
Tibial muscular dystrophy (TMD). Also called: UDD MYOPATHY; Udd Distal Myopathy – Tibial Muscular Dystrophy; Tibial muscular dystrophy, tardive. Identifiers: Orphanet 609, MedGen C1838244, MONDO:0010870, OMIM 600334.
Early-onset myopathy with fatal cardiomyopathy (CMYO5). Also called: Salih Myopathy; CONGENITAL MYOPATHY 5 WITH CARDIOMYOPATHY. Identifiers: Orphanet 289377, MedGen C2673677, MONDO:0012714, OMIM 611705. Disease mechanism: loss of function.
Hypertrophic cardiomyopathy 9. Also called: Familial hypertrophic cardiomyopathy 9. Identifiers: MedGen C1861065, MONDO:0013412, OMIM 613765.
Myopathy, myofibrillar, 9, with early respiratory failure (MFM9). Also called: Hereditary myopathy with early respiratory failure; EDSTROM MYOPATHY; MYOPATHY, PROXIMAL, WITH EARLY RESPIRATORY MUSCLE INVOLVEMENT; Myopathy, distal, with early respiratory failure, autosomal dominant. Identifiers: Orphanet 178464, Orphanet 34521, MedGen C1863599, MONDO:0011362, OMIM 603689.

Submissions (8):

Labcorp Genetics (formerly Invitae), Labcorp
Classification: Likely pathogenic for Dilated cardiomyopathy 1G; Autosomal recessive limb-girdle muscular dystrophy type 2J. Last evaluated: 2025-10-23. Review status: criteria provided, single submitter. Criteria: Invitae Variant Classification Sherloc (09022015). Collection method: clinical testing. Allele origin: germline.
Comment: This sequence change creates a premature translational stop signal (p.Trp29356*) in the TTN gene. While this is not anticipated to result in nonsense mediated decay, it is expected to create a truncated TTN protein. This variant is not present in population databases (gnomAD no frequency). This variant has not been reported in the literature in individuals affected with TTN-related conditions. ClinVar contains an entry for this variant (Variation ID: 238860). This variant is located in the A band of TTN (PMID: 25589632). Truncating variants in this region are significantly overrepresented in patients affected with dilated cardiomyopathy (PMID: 25589632). Truncating variants in this region have also been reported in individuals affected with autosomal recessive centronuclear myopathy (PMID: 23975875). In summary, the currently available evidence indicates that the variant is pathogenic, but additional data are needed to prove that conclusively. Therefore, this variant has been classified as Likely Pathogenic.

Fulgent Genetics
Classification: Likely pathogenic for Tibial muscular dystrophy; Myopathy, myofibrillar, 9, with early respiratory failure; Dilated cardiomyopathy 1G; Autosomal recessive limb-girdle muscular dystrophy type 2J; Early-onset myopathy with fatal cardiomyopathy; Hypertrophic cardiomyopathy 9. Last evaluated: 2021-08-23. Review status: criteria provided, single submitter. Criteria: ACMG Guidelines, 2015. Collection method: clinical testing. Allele origin: unknown.

Baylor Genetics
Classification: Likely pathogenic for Early-onset myopathy with fatal cardiomyopathy. Last evaluated: 2021-01-29. Review status: criteria provided, single submitter. Criteria: ACMG Guidelines, 2015. Collection method: clinical testing. Allele origin: unknown.

Baylor Genetics
Classification: Likely pathogenic for Myopathy, myofibrillar, 9, with early respiratory failure. Last evaluated: 2021-01-29. Review status: criteria provided, single submitter. Criteria: ACMG Guidelines, 2015. Collection method: clinical testing. Allele origin: unknown.

Baylor Genetics
Classification: Likely pathogenic for Hypertrophic cardiomyopathy 9. Last evaluated: 2021-01-29. Review status: criteria provided, single submitter. Criteria: ACMG Guidelines, 2015. Collection method: clinical testing. Allele origin: unknown.

Baylor Genetics
Classification: Likely pathogenic for Tibial muscular dystrophy. Last evaluated: 2021-01-29. Review status: criteria provided, single submitter. Criteria: ACMG Guidelines, 2015. Collection method: clinical testing. Allele origin: unknown.

Baylor Genetics
Classification: Likely pathogenic for Dilated cardiomyopathy 1G. Last evaluated: 2021-01-29. Review status: criteria provided, single submitter. Criteria: ACMG Guidelines, 2015. Collection method: clinical testing. Allele origin: unknown.

Baylor Genetics
Classification: Likely pathogenic for Autosomal recessive limb-girdle muscular dystrophy type 2J. Last evaluated: 2021-01-29. Review status: criteria provided, single submitter. Criteria: ACMG Guidelines, 2015. Collection method: clinical testing. Allele origin: unknown.

Literature cited by the submitters: PubMed 25589632 (cited by Labcorp Genetics (formerly Invitae), Labcorp); PubMed 23975875 (cited by Labcorp Genetics (formerly Invitae), Labcorp).

NM_001267550.2(TTN):c.88067G>A (p.Trp29356Ter)

Genes: TTN-AS1 (TTN antisense RNA 1; plus strand), TTN (titin; minus strand). Cytogenetic location: 2q31.2.
Variant type: single nucleotide variant.
Coding change: c.88067G>A on transcript NM_001267550.2 (MANE Select); coding-DNA position 88067, G replaced by A.
Protein change: p.Trp29356Ter; replaces tryptophan 29356 with a stop codon.
Molecular consequence: nonsense.
Genome position (GRCh38, 1-based): chr2:178,557,087, C>T on the plus strand (G>A on the coding strand, the complement: TTN is on the minus strand). VCF-style: chr2-178557087-C-T. GRCh37 (hg19) VCF-style: chr2-179421814-C-T.
Other names: c.83144G>A, p.Trp27715Ter (NM_001256850.1); c.60872G>A, p.Trp20291Ter (NM_003319.4); c.80363G>A, p.Trp26788Ter (NM_133378.4); c.61247G>A, p.Trp20416Ter (NM_133432.3); c.61448G>A, p.Trp20483Ter (NM_133437.4); short protein forms W29356*, W26788*, W27715*, W20291*, W20483*, W20416*.
Identifiers: ClinVar variation 238860 (VCV000238860.10), dbSNP rs878854428, ClinGen allele CA10581835.
Genomic context (GRCh38, chr2:178,557,087, plus strand): 5'-TCACGTCTCTCAACAATGTAGCCTGTAATCTTGCTACCTCCATCGAAAGCTGGTTGTTGC[C>T]ATGAAAGGCTGACAGAGTTCTTTGAAATATCAGTGATACGAACATTTCTTGGGGGTTCTG-3'